The following is an entry in ClinVar:

ClinVar aggregate classification (germline): Uncertain significance. Review status: criteria provided, multiple submitters, no conflicts (2 of 4 stars). 4 submissions from 4 submitters: Uncertain significance (4). Last evaluated 2024-10-08.

Conditions:
Charcot-Marie-Tooth disease type 4. Also called: Charcot-Marie-Tooth disease, type IV; Charcot-Marie-Tooth, Type 4. Identifiers: Orphanet 64749, MedGen C4082197, MONDO:0018995.

Allele frequency attached by ClinVar (database versions not stated): gnomAD exomes 0.00002 and 0.00004; ExAC 0.00004; gnomAD 0.00004; TOPMed 0.00006; ESP Exome Variant Server 0.00015.
gnomAD v4.1: 67 of 1,613,976 alleles (0.0042%); highest among the groups gnomAD compares: Middle Eastern, 0.016%; no homozygotes.

Submissions (4):

Blueprint Genetics
Classification: Uncertain significance. Last evaluated: 2024-10-08. Review status: criteria provided, single submitter. Criteria: ACMG Guidelines, 2015. Collection method: clinical testing. Allele origin: germline.

GeneDx
Classification: Uncertain significance. Last evaluated: 2024-08-01. Review status: criteria provided, single submitter. Criteria: GeneDx Variant Classification Process June 2021. Collection method: clinical testing. Allele origin: germline. Affected: yes.
Comment: In silico analysis supports that this missense variant has a deleterious effect on protein structure/function; Has not been previously published as pathogenic or benign to our knowledge

Labcorp Genetics (formerly Invitae), Labcorp
Classification: Uncertain significance for Charcot-Marie-Tooth disease type 4. Last evaluated: 2022-08-20. Review status: criteria provided, single submitter. Criteria: Invitae Variant Classification Sherloc (09022015). Collection method: clinical testing. Allele origin: germline.
Comment: This sequence change replaces arginine, which is basic and polar, with tryptophan, which is neutral and slightly polar, at codon 1289 of the SBF2 protein (p.Arg1289Trp). This variant is present in population databases (rs145107442, gnomAD 0.005%). This variant has not been reported in the literature in individuals affected with SBF2-related conditions. ClinVar contains an entry for this variant (Variation ID: 374430). Algorithms developed to predict the effect of missense changes on protein structure and function are either unavailable or do not agree on the potential impact of this missense change (SIFT: "Deleterious"; PolyPhen-2: "Possibly Damaging"; Align-GVGD: "Class C0"). In summary, the available evidence is currently insufficient to determine the role of this variant in disease. Therefore, it has been classified as a Variant of Uncertain Significance.

CeGaT Center for Human Genetics Tuebingen
Classification: Uncertain significance. Last evaluated: 2016-08-01. Review status: criteria provided, single submitter. Criteria: CeGaT Center For Human Genetics Tuebingen Variant Classification Criteria Version 2. Collection method: clinical testing. Allele origin: germline. Affected: yes. Observed: 1 variant allele.

NM_030962.4(SBF2):c.3865C>T (p.Arg1289Trp)

Gene: SBF2 (SET binding factor 2; minus strand). Cytogenetic location: 11p15.4.
Variant type: single nucleotide variant.
Coding change: c.3865C>T on transcript NM_030962.4 (MANE Select); coding-DNA position 3865, C replaced by T.
Protein change: p.Arg1289Trp; replaces arginine 1289 with tryptophan.
Molecular consequence: missense variant.
Genome position (GRCh38, 1-based): chr11:9,816,953, G>A on the plus strand (C>T on the coding strand, the complement: SBF2 is on the minus strand). VCF-style: chr11-9816953-G-A. GRCh37 (hg19) VCF-style: chr11-9838500-G-A.
Other names: c.3961C>T, p.Arg1321Trp (NM_001386339.1); c.3736C>T, p.Arg1246Trp (NM_001386342.1); short protein forms R1289W, R1246W, R1321W.
Identifiers: ClinVar variation 374430 (VCV000374430.52), dbSNP rs145107442, ClinGen allele CA5881120.